The following is an entry in ClinVar:

Conditions:
Long QT syndrome 5 (LQT5). Identifiers: Orphanet 101016, Orphanet 768, MedGen C1867904, MONDO:0013372, OMIM 613695.

Submission:

Roden Lab, Vanderbilt University Medical Center
No classification provided (evidence only). Condition: Long QT syndrome 5. Review status: no classification provided. Collection method: in vitro. Allele origin: not applicable. Functional consequence: Effect on ion channel function.
ClinVar note: "not provided" was previously submitted as the classification for the variant. However, the classification appeared to be based only on an observation of functional data so it was converted to no classification on 2025-07-30.

NM_000219.6(KCNE1):c.74G>A (p.Gly25Asp)

Gene: KCNE1 (potassium voltage-gated channel subfamily E regulatory subunit 1; minus strand). Cytogenetic location: 21q22.12.
Variant type: single nucleotide variant.
Coding change: c.74G>A on transcript NM_000219.6 (MANE Select); coding-DNA position 74, G replaced by A.
Protein change: p.Gly25Asp; replaces glycine 25 with aspartic acid.
Molecular consequence: missense variant.
Genome position (GRCh38, 1-based): chr21:34,449,561, C>T on the plus strand (G>A on the coding strand, the complement: KCNE1 is on the minus strand). VCF-style: chr21-34449561-C-T. GRCh37 (hg19) VCF-style: chr21-35821859-C-T.
Other names: c.74G>A, p.Gly25Asp (NM_001127668.4, NM_001127669.4, NM_001127670.4 and 4 more transcripts); short protein forms G25D.
Identifiers: ClinVar variation 3373977 (VCV003373977.2).